The following is an entry in ClinVar:

ClinVar aggregate classification (germline): Uncertain significance (1 of 4 stars; one submission).

Submission:

Women's Health and Genetics/Laboratory Corporation of America, LabCorp
Classification: Uncertain significance. Last evaluated: 2024-07-18. Review status: criteria provided, single submitter. Criteria: LabCorp Variant Classification Summary - May 2015. Collection method: clinical testing. Allele origin: germline.
Comment: Variant summary: HPS3 c.449T>A (p.Val150Asp) results in a non-conservative amino acid change located in the BLOC-2 complex member HPS3, N-terminal domain (IPR029437) of the encoded protein sequence. Five of five in-silico tools predict a damaging effect of the variant on protein function. The frequency data for this variant in gnomAD is considered unreliable, as metrics indicate poor data quality at this position. c.449T>A has been reported in the literature in a setting of whole exome seqeuencing in at least one compound heterozygous individual affected with albinism (e.g. Wei_2022). These data do not allow any conclusion about variant significance. To our knowledge, no experimental evidence demonstrating an impact on protein function has been reported. The following publication has been ascertained in the context of this evaluation (PMID: 34838614). No submitters have cited clinical-significance assessments for this variant to ClinVar. Based on the evidence outlined above, the variant was classified as uncertain significance.

Literature cited by the submitters: PubMed 34838614.

NM_032383.5(HPS3):c.449T>A (p.Val150Asp)

Gene: HPS3 (HPS3 biogenesis of lysosomal organelles complex 2 subunit 1; plus strand). Cytogenetic location: 3q24.
Variant type: single nucleotide variant.
Coding change: c.449T>A on transcript NM_032383.5 (MANE Select); coding-DNA position 449, T replaced by A.
Protein change: p.Val150Asp; replaces valine 150 with aspartic acid.
Molecular consequence: missense variant. On other transcripts: intron variant (1).
Genome position (GRCh38, 1-based): chr3:149,140,235, T>A. VCF-style: chr3-149140235-T-A. GRCh37 (hg19) VCF-style: chr3-148858022-T-A.
Other names: c.218-782T>A (NM_001308258.2); short protein forms V150D.
Identifiers: ClinVar variation 3339454 (VCV003339454.1).